The following is an entry in ClinVar:

NM_002691.4(POLD1):c.3292C>T (p.Arg1098Cys)

Gene: POLD1 (DNA polymerase delta 1, catalytic subunit; plus strand). Cytogenetic location: 19q13.33.
Variant type: single nucleotide variant.
Coding change: c.3292C>T on transcript NM_002691.4 (MANE Select); coding-DNA position 3292, C replaced by T.
Protein change: p.Arg1098Cys; replaces arginine 1098 with cysteine.
Molecular consequence: missense variant. On other transcripts: non-coding transcript variant (1).
Genome position (GRCh38, 1-based): chr19:50,417,915, C>T. VCF-style: chr19-50417915-C-T. GRCh37 (hg19) VCF-style: chr19-50921172-C-T.
Other names: c.3292C>T, p.Arg1098Cys (NM_001256849.1); c.3370C>T, p.Arg1124Cys (NM_001308632.1); short protein forms R1098C, R1124C.
Identifiers: ClinVar variation 572544 (VCV000572544.16), dbSNP rs1445817375, ClinGen allele CA406987854.

ClinVar aggregate classification (germline): Conflicting classifications of pathogenicity. Review status: criteria provided, conflicting classifications (1 of 4 stars). 6 submissions from 6 submitters: Uncertain significance (5); Likely benign (1). Last evaluated 2025-11-23.

Conditions:
Hereditary cancer-predisposing syndrome. Also called: Tumor predisposition; Neoplastic Syndromes, Hereditary; Hereditary Cancer Syndrome; Hereditary neoplastic syndrome. Identifiers: Orphanet 140162, MedGen C0027672, MeSH D009386, MONDO:0015356.
Familial colorectal cancer type X. Identifiers: Orphanet 440437, MedGen C3896578, MONDO:0018604.
Polymerase proofreading-related adenomatous polyposis. Also called: Polymerase proofreading associated polyposis; Polymerase proofreading–associated polyposis (PPAP). Identifiers: Orphanet 447877, MedGen C5202613, MONDO:0018653.
Mandibular hypoplasia-deafness-progeroid syndrome. Also called: Mandibular hypoplasia, deafness, progeroid features, and lipodystrophy syndrome. Identifiers: Orphanet 363649, MedGen C3715192, MONDO:0014157, OMIM 615381.
POLD1-related polyposis and colorectal cancer syndrome (CRCS10). Also called: Colorectal cancer 10; COLORECTAL CANCER, SUSCEPTIBILITY TO, ON CHROMOSOME 19q; Colorectal cancer, susceptibility to, 10. Identifiers: Orphanet 220460, MedGen C2675481, MONDO:0012953, OMIM 612591.
Immunodeficiency 120. Identifiers: MedGen C5935622, MONDO:0970994, OMIM 620836.

Allele frequency attached by ClinVar (database versions not stated): gnomAD 0.00001; gnomAD exomes 0.00001; TOPMed 0.00002.
gnomAD v4.1: 16 of 1,610,876 alleles (0.00099%); highest among the groups gnomAD compares: East Asian, 0.0022%; no homozygotes.

Submissions (6):

Ambry Genetics
Classification: Uncertain significance for Hereditary cancer-predisposing syndrome. Last evaluated: 2025-11-23. Review status: criteria provided, single submitter. Criteria: Ambry Variant Classification Scheme 2023. Collection method: clinical testing. Allele origin: germline.
Comment: The p.R1098C variant (also known as c.3292C>T), located in coding exon 26 of the POLD1 gene, results from a C to T substitution at nucleotide position 3292. The arginine at codon 1098 is replaced by cysteine, an amino acid with highly dissimilar properties. This amino acid position is conserved. In addition, this alteration is predicted to be tolerated by in silico analysis. Since supporting evidence is limited at this time, the clinical significance of this alteration remains unclear.

Labcorp Genetics (formerly Invitae), Labcorp
Classification: Uncertain significance for POLD1-related polyposis and colorectal cancer syndrome. Last evaluated: 2025-11-10. Review status: criteria provided, single submitter. Criteria: Invitae Variant Classification Sherloc (09022015). Collection method: clinical testing. Allele origin: germline.
Comment: This sequence change replaces arginine, which is basic and polar, with cysteine, which is neutral and slightly polar, at codon 1098 of the POLD1 protein (p.Arg1098Cys). The frequency data for this variant in the population databases is considered unreliable, as metrics indicate poor data quality at this position in the gnomAD database. This variant has not been reported in the literature in individuals affected with POLD1-related conditions. ClinVar contains an entry for this variant (Variation ID: 572544). Invitae Evidence Modeling of protein sequence and biophysical properties (such as structural, functional, and spatial information, amino acid conservation, physicochemical variation, residue mobility, and thermodynamic stability) indicates that this missense variant is expected to disrupt POLD1 protein function with a positive predictive value of 80%. In summary, the available evidence is currently insufficient to determine the role of this variant in disease. Therefore, it has been classified as a Variant of Uncertain Significance.

Laboratory of Genetics, Children's Clinical University Hospital Latvia
Classification: Likely benign. Last evaluated: 2025-02-16. Review status: criteria provided, single submitter. Criteria: ACMG Guidelines, 2015. Collection method: clinical testing. Allele origin: germline. Affected: yes.

Fulgent Genetics
Classification: Uncertain significance for POLD1-related polyposis and colorectal cancer syndrome; Mandibular hypoplasia-deafness-progeroid syndrome; Immunodeficiency 120. Last evaluated: 2024-01-17. Review status: criteria provided, single submitter. Criteria: ACMG Guidelines, 2015. Collection method: clinical testing. Allele origin: germline.

GeneDx
Classification: Uncertain significance. Last evaluated: 2023-12-21. Review status: criteria provided, single submitter. Criteria: GeneDx Variant Classification Process June 2021. Collection method: clinical testing. Allele origin: germline. Affected: yes.
Comment: Not observed at significant frequency in large population cohorts (gnomAD); In silico analysis supports that this missense variant has a deleterious effect on protein structure/function; Has not been previously published as pathogenic or benign to our knowledge; This variant is associated with the following publications: (PMID: 26748215, 29056344)

Department of Pathology and Laboratory Medicine, Sinai Health System
Classification: Uncertain significance for Polymerase proofreading-related adenomatous polyposis; Familial colorectal cancer type X. Last evaluated: 2023-05-26. Review status: criteria provided, single submitter. Criteria: ACMG Guidelines, 2015. Collection method: clinical testing. Allele origin: germline. Affected: yes.